The following is an entry in ClinVar:

NM_020461.4(TUBGCP6):c.5009A>T (p.Lys1670Met)

Gene: TUBGCP6 (tubulin gamma complex component 6; minus strand). Cytogenetic location: 22q13.33.
Variant type: single nucleotide variant.
Coding change: c.5009A>T on transcript NM_020461.4 (MANE Select); coding-DNA position 5009, A replaced by T.
Protein change: p.Lys1670Met; replaces lysine 1670 with methionine.
Molecular consequence: missense variant.
Genome position (GRCh38, 1-based): chr22:50,218,348, T>A on the plus strand (A>T on the coding strand, the complement: TUBGCP6 is on the minus strand). VCF-style: chr22-50218348-T-A. GRCh37 (hg19) VCF-style: chr22-50656777-T-A.
Other names: short protein forms K1670M.
Identifiers: ClinVar variation 939097 (VCV000939097.10), dbSNP rs546390532, ClinGen allele CA10307207.

ClinVar aggregate classification (germline): Uncertain significance. Review status: criteria provided, multiple submitters, no conflicts (2 of 4 stars). 2 submissions from 2 submitters: Uncertain significance (2). Last evaluated 2025-02-03.

Conditions:
Inborn genetic diseases. Identifiers: MedGen C0950123, MeSH D030342.

Allele frequency attached by ClinVar (database versions not stated): gnomAD exomes below 0.00001; gnomAD 0.00002; TOPMed 0.00003.
gnomAD v4.1: 7 of 1,612,964 alleles (0.00043%); highest among the groups gnomAD compares: African/African-American, 0.0093%; no homozygotes.

Submissions (2):

Labcorp Genetics (formerly Invitae), Labcorp
Classification: Uncertain significance. Last evaluated: 2025-02-03. Review status: criteria provided, single submitter. Criteria: Invitae Variant Classification Sherloc (09022015). Collection method: clinical testing. Allele origin: germline.
Comment: This sequence change replaces lysine, which is basic and polar, with methionine, which is neutral and non-polar, at codon 1670 of the TUBGCP6 protein (p.Lys1670Met). This variant is present in population databases (rs546390532, gnomAD 0.03%). This variant has not been reported in the literature in individuals affected with TUBGCP6-related conditions. ClinVar contains an entry for this variant (Variation ID: 939097). An algorithm developed to predict the effect of missense changes on protein structure and function (PolyPhen-2) suggests that this variant is likely to be disruptive. In summary, the available evidence is currently insufficient to determine the role of this variant in disease. Therefore, it has been classified as a Variant of Uncertain Significance.

Ambry Genetics
Classification: Uncertain significance for Inborn genetic diseases. Last evaluated: 2021-03-30. Review status: criteria provided, single submitter. Criteria: Ambry Variant Classification Scheme 2023. Collection method: clinical testing. Allele origin: germline.